The following is an entry in ClinVar:

ClinVar aggregate classification (germline): Benign/Likely benign. Review status: criteria provided, multiple submitters, no conflicts (2 of 4 stars). 3 submissions from 3 submitters: Benign (1); Likely benign (2). Last evaluated 2024-08-15.

Allele frequency attached by ClinVar (database versions not stated): gnomAD 0.00002 and 0.00017; TOPMed 0.00003; gnomAD exomes 0.00028 and 0.00058; ExAC 0.00099; 1000 Genomes Project 0.00140; 1000 Genomes Project 30x 0.00156.
gnomAD v4.1: 426 of 1,600,954 alleles (0.027%); highest among the groups gnomAD compares: South Asian, 0.43%; 4 homozygotes.

Submissions (3):

Labcorp Genetics (formerly Invitae), Labcorp
Classification: Benign. Last evaluated: 2024-08-15. Review status: criteria provided, single submitter. Criteria: Invitae Variant Classification Sherloc (09022015). Collection method: clinical testing. Allele origin: germline.

Blueprint Genetics
Classification: Likely benign. Last evaluated: 2024-06-17. Review status: criteria provided, single submitter. Criteria: ACMG Guidelines, 2015. Collection method: clinical testing. Allele origin: germline.

Laboratory for Molecular Medicine, Mass General Brigham Personalized Medicine
Classification: Likely benign. Last evaluated: 2015-02-26. Review status: criteria provided, single submitter. Criteria: LMM Criteria. Collection method: clinical testing. Allele origin: germline. Observed: 1 variant allele.
Comment: c.6575+14G>A in intron 19 of TRIOBP: This variant is not expected to have clinic al significance because it has been identified in 0.6% (69/11848) of South Asian chromosomes including 1 homozygote by the Exome Aggregation Consortium (ExAC)

NM_001039141.3(TRIOBP):c.6575+14G>A

Gene: TRIOBP (TRIO and F-actin binding protein; plus strand). Cytogenetic location: 22q13.1.
Variant type: single nucleotide variant.
Coding change: c.6575+14G>A on transcript NM_001039141.3 (MANE Select); 14 bases into the intron after coding-DNA position 6575, G replaced by A.
Molecular consequence: intron variant.
Genome position (GRCh38, 1-based): chr22:37,768,190, G>A. VCF-style: chr22-37768190-G-A. GRCh37 (hg19) VCF-style: chr22-38164197-G-A.
Other names: c.1436+14G>A (NM_007032.5).
Identifiers: ClinVar variation 228041 (VCV000228041.11), dbSNP rs577534147, ClinGen allele CA10225099.